The following is an entry in ClinVar:

ClinVar aggregate classification (germline): Uncertain significance (1 of 4 stars; one submission).

Submission:

Labcorp Genetics (formerly Invitae), Labcorp
Classification: Uncertain significance. Last evaluated: 2024-04-29. Review status: criteria provided, single submitter. Criteria: Invitae Variant Classification Sherloc (09022015). Collection method: clinical testing. Allele origin: germline.
Comment: This sequence change creates a premature translational stop signal (p.Tyr108Serfs*18) in the TUBA8 gene. It is expected to result in an absent or disrupted protein product. However, the current clinical and genetic evidence is not sufficient to establish whether loss-of-function variants in TUBA8 cause disease. This variant is not present in population databases (gnomAD no frequency). This variant has not been reported in the literature in individuals affected with TUBA8-related conditions. In summary, the available evidence is currently insufficient to determine the role of this variant in disease. Therefore, it has been classified as a Variant of Uncertain Significance.

NM_018943.3(TUBA8):c.323del (p.Tyr108fs)

Gene: TUBA8 (tubulin alpha 8; plus strand). Cytogenetic location: 22q11.21.
Variant type: Deletion.
Coding change: c.323del on transcript NM_018943.3 (MANE Select); coding-DNA position 323, one base deleted (A; older notation c.323delA).
Protein change: p.Tyr108fs; shifts the reading frame from tyrosine 108.
Molecular consequence: frameshift variant.
Genome position (GRCh38, 1-based): chr22:18,124,252, A deleted. VCF-style (leftmost placement, unchanged base first): chr22-18124251-TA-T. GRCh37 (hg19) VCF-style: chr22-18607018-TA-T.
Other names: c.125del, p.Tyr42fs (NM_001193414.2); short protein forms Y108fs, Y42fs.
Identifiers: ClinVar variation 3651433 (VCV003651433.2).